The following is an entry in ClinVar:

NM_000219.6(KCNE1):c.180C>T (p.Gly60=)

Gene: KCNE1 (potassium voltage-gated channel subfamily E regulatory subunit 1; minus strand). Cytogenetic location: 21q22.12.
Variant type: single nucleotide variant.
Coding change: c.180C>T on transcript NM_000219.6 (MANE Select); coding-DNA position 180, C replaced by T.
Protein change: p.Gly60=; no amino-acid change (glycine 60 retained).
Molecular consequence: synonymous variant.
Genome position (GRCh38, 1-based): chr21:34,449,455, G>A on the plus strand (C>T on the coding strand, the complement: KCNE1 is on the minus strand). VCF-style: chr21-34449455-G-A. GRCh37 (hg19) VCF-style: chr21-35821753-G-A.
Other names: c.180C>T, p.Gly60= (NM_001127668.4, NM_001127669.4, NM_001127670.4 and 4 more transcripts).
Identifiers: ClinVar variation 3374259 (VCV003374259.2).

Conditions:
Long QT syndrome 5 (LQT5). Identifiers: Orphanet 101016, Orphanet 768, MedGen C1867904, MONDO:0013372, OMIM 613695.

Submission:

Roden Lab, Vanderbilt University Medical Center
No classification provided (evidence only). Condition: Long QT syndrome 5. Review status: no classification provided. Collection method: in vitro. Allele origin: not applicable. Functional consequence: Effect on ion channel function.
ClinVar note: "not provided" was previously submitted as the classification for the variant. However, the classification appeared to be based only on an observation of functional data so it was converted to no classification on 2025-07-30.